The following is an entry in ClinVar:

NM_001348768.2(HECW2):c.1717G>A (p.Val573Ile)

Gene: HECW2 (HECT, C2 and WW domain containing E3 ubiquitin protein ligase 2; minus strand). Cytogenetic location: 2q32.3.
Variant type: single nucleotide variant.
Coding change: c.1717G>A on transcript NM_001348768.2 (MANE Select); coding-DNA position 1717, G replaced by A.
Protein change: p.Val573Ile; replaces valine 573 with isoleucine.
Molecular consequence: missense variant.
Genome position (GRCh38, 1-based): chr2:196,319,173, C>T on the plus strand (G>A on the coding strand, the complement: HECW2 is on the minus strand). VCF-style: chr2-196319173-C-T. GRCh37 (hg19) VCF-style: chr2-197183897-C-T.
Other names: c.649G>A, p.Val217Ile (NM_001304840.3); c.1717G>A, p.Val573Ile (NM_020760.4); c.1717G>A (NM_020760.2, NM_020760.1); short protein forms V573I, V217I.
Identifiers: ClinVar variation 2083638 (VCV002083638.8), dbSNP rs149898649, ClinGen allele CA2038278.

ClinVar aggregate classification (germline): Likely benign. Review status: criteria provided, multiple submitters, no conflicts (2 of 4 stars). 5 submissions from 5 submitters: Likely benign (4). 1 of the submissions does not count toward it. Last evaluated 2026-06-18.

Conditions:
Inborn genetic diseases. Identifiers: MedGen C0950123, MeSH D030342.
HECW2-related disorder. Also called: HECW2-related condition.

Allele frequency attached by ClinVar (database versions not stated): gnomAD exomes 0.00004; ExAC 0.00011; gnomAD 0.00030; TOPMed 0.00037; ESP Exome Variant Server 0.00038.
gnomAD v4.1: 103 of 1,595,574 alleles (0.0065%); highest among the groups gnomAD compares: African/African-American, 0.13%; no homozygotes.

Submissions (5):

Women's Health and Genetics/Laboratory Corporation of America, LabCorp
Classification: Likely benign. Last evaluated: 2026-06-18. Review status: criteria provided, single submitter. Criteria: LabCorp Variant Classification Summary - May 2015. Collection method: clinical testing. Allele origin: germline.
Comment: Variant summary: HECW2 c.1717G>A (p.Val573Ile) results in a conservative amino acid change in the encoded protein sequence. Algorithms developed to predict the effect of missense changes on protein structure and function all suggest that this variant is likely to be tolerated. The variant allele was found at a frequency of 6.5e-05 in 1595574 control chromosomes, predominantly at a frequency of 0.0013 within the African or African-American subpopulation in the gnomAD database. The observed variant frequency within African or African-American control individuals in the gnomAD database exceeds the estimated maximal expected allele frequency for disease-causing variants in HECW2. To our knowledge, no occurrence of c.1717G>A in individuals affected with HECW2-related conditions and no experimental evidence demonstrating its impact on protein function have been reported. ClinVar contains an entry for this variant (Variation ID: 2083638). Based on the evidence outlined above, the variant was classified as likely benign.

Ambry Genetics
Classification: Likely benign for Inborn genetic diseases. Last evaluated: 2024-04-12. Review status: criteria provided, single submitter. Criteria: Ambry Variant Classification Scheme 2023. Collection method: clinical testing. Allele origin: germline.

Blueprint Genetics
Classification: Likely benign. Last evaluated: 2023-11-13. Review status: criteria provided, single submitter. Criteria: ACMG Guidelines, 2015. Collection method: clinical testing. Allele origin: germline.

Labcorp Genetics (formerly Invitae), Labcorp
Classification: Likely benign. Last evaluated: 2020-07-20. Review status: criteria provided, single submitter. Criteria: Invitae Variant Classification Sherloc (09022015). Collection method: clinical testing. Allele origin: germline.

PreventionGenetics, part of Exact Sciences
Classification: Likely benign for HECW2-related condition. Last evaluated: 2023-02-07. Review status: no assertion criteria provided. Collection method: clinical testing. Allele origin: germline. Not counted in ClinVar's aggregate classification.
Comment: This variant is classified as likely benign based on ACMG/AMP sequence variant interpretation guidelines (Richards et al. 2015 PMID: 25741868, with internal and published modifications).